The following is an entry in ClinVar:

ClinVar aggregate classification (germline): Conflicting classifications of pathogenicity. Review status: criteria provided, conflicting classifications (1 of 4 stars). 6 submissions from 6 submitters: Uncertain significance (1); Benign (1); Likely benign (4). Last evaluated 2026-01-22.

Conditions:
Inborn genetic diseases. Identifiers: MedGen C0950123, MeSH D030342.
Xeroderma pigmentosum, group D (XPD). Also called: XERODERMA PIGMENTOSUM, COMPLEMENTATION GROUP D; XERODERMA PIGMENTOSUM IV; XP, GROUP D; XP, GROUP H; ERCC2-Related Xeroderma Pigmentosum. Identifiers: MedGen C0268138, MONDO:0010212, OMIM 278730.
Xeroderma pigmentosum (XP). Identifiers: Orphanet 910, MedGen C0043346, MONDO:0019600.

Allele frequency attached by ClinVar (database versions not stated): gnomAD 0.00011; TOPMed 0.00018.
gnomAD v4.1: 214 of 1,613,932 alleles (0.013%); highest among the groups gnomAD compares: East Asian, 0.027%; no homozygotes.

Submissions (6):

Labcorp Genetics (formerly Invitae), Labcorp
Classification: Benign. Last evaluated: 2026-01-22. Review status: criteria provided, single submitter. Criteria: Invitae Variant Classification Sherloc (09022015). Collection method: clinical testing. Allele origin: germline.

CeGaT Center for Human Genetics Tuebingen
Classification: Likely benign. Last evaluated: 2025-11-01. Review status: criteria provided, single submitter. Criteria: CeGaT Center For Human Genetics Tuebingen Variant Classification Criteria Version 2. Collection method: clinical testing. Allele origin: germline. Affected: yes. Observed: 2 variant alleles.
Comment: ERCC2: BP4, BP7

Blueprint Genetics
Classification: Likely benign. Last evaluated: 2024-11-07. Review status: criteria provided, single submitter. Criteria: ACMG Guidelines, 2015. Collection method: clinical testing. Allele origin: germline.

Ambry Genetics
Classification: Likely benign for Inborn genetic diseases. Last evaluated: 2022-02-12. Review status: criteria provided, single submitter. Criteria: Ambry Variant Classification Scheme 2023. Collection method: clinical testing. Allele origin: germline.

Sema4
Classification: Likely benign for Xeroderma pigmentosum. Last evaluated: 2021-01-31. Review status: criteria provided, single submitter. Criteria: Sema4 Curation Guidelines. Collection method: curation. Allele origin: germline.

Illumina Laboratory Services, Illumina
Classification: Uncertain significance for Xeroderma pigmentosum, group D. Last evaluated: 2018-01-13. Review status: criteria provided, single submitter. Criteria: ICSL Variant Classification Criteria 13 December 2019. Collection method: clinical testing. Allele origin: germline.

NM_000400.4(ERCC2):c.1962C>T (p.Phe654=)

Gene: ERCC2 (ERCC excision repair 2, TFIIH core complex helicase subunit; minus strand). Cytogenetic location: 19q13.32.
Variant type: single nucleotide variant.
Coding change: c.1962C>T on transcript NM_000400.4 (MANE Select); coding-DNA position 1962, C replaced by T.
Protein change: p.Phe654=; no amino-acid change (phenylalanine 654 retained).
Molecular consequence: synonymous variant.
Genome position (GRCh38, 1-based): chr19:45,352,590, G>A on the plus strand (C>T on the coding strand, the complement: ERCC2 is on the minus strand). VCF-style: chr19-45352590-G-A. GRCh37 (hg19) VCF-style: chr19-45855848-G-A.
Identifiers: ClinVar variation 329506 (VCV000329506.38), dbSNP rs762985501, ClinGen allele CA9512958.
Genomic context (GRCh38, chr19:45,352,590, plus strand): 5'-GTAGTCCGTCTTGCCCCTGATGGCCCGACCCACACACTGGGCCGCGTGGCGCATGGCATC[G>A]AAGGTAAGAAAGTCATTCTCACGAATCTGGAACTGGTCCCGCAGGTATTCCAGCCGCGCC-3'
Protein context (NP_000391.1, residues 644-664): FQIRENDFLT[Phe654=]DAMRHAAQCV